The following is an entry in ClinVar:

ClinVar aggregate classification (germline): Conflicting classifications of pathogenicity. Review status: criteria provided, conflicting classifications (1 of 4 stars). 3 submissions from 3 submitters: Uncertain significance (2); Benign (1). Last evaluated 2024-10-22.

Conditions:
Hereditary cancer-predisposing syndrome. Also called: Neoplastic Syndromes, Hereditary; Hereditary Cancer Syndrome; Hereditary neoplastic syndrome; Tumor predisposition. Identifiers: Orphanet 140162, MedGen C0027672, MeSH D009386, MONDO:0015356.
Gorlin syndrome. Also called: Basal cell nevus syndrome; Nevoid Basal Cell Carcinoma Syndrome. Identifiers: Orphanet 377, MedGen C0004779, MONDO:0007187.

Submissions (3):

Labcorp Genetics (formerly Invitae), Labcorp
Classification: Benign for Gorlin syndrome. Last evaluated: 2024-10-22. Review status: criteria provided, single submitter. Criteria: Invitae Variant Classification Sherloc (09022015). Collection method: clinical testing. Allele origin: germline.

Ambry Genetics
Classification: Uncertain significance for Hereditary cancer-predisposing syndrome. Last evaluated: 2024-01-16. Review status: criteria provided, single submitter. Criteria: Ambry Variant Classification Scheme 2023. Collection method: clinical testing. Allele origin: germline.
Comment: The p.P726H variant (also known as c.2177C>A), located in coding exon 14 of the PTCH1 gene, results from a C to A substitution at nucleotide position 2177. The proline at codon 726 is replaced by histidine, an amino acid with similar properties. This amino acid position is highly conserved in available vertebrate species. In addition, the in silico prediction for this alteration is inconclusive. Since supporting evidence is limited at this time, the clinical significance of this alteration remains unclear.

GeneDx
Classification: Uncertain significance. Last evaluated: 2023-05-25. Review status: criteria provided, single submitter. Criteria: GeneDx Variant Classification Process June 2021. Collection method: clinical testing. Allele origin: germline. Affected: yes.
Comment: Not observed at significant frequency in large population cohorts (gnomAD); In silico analysis supports that this missense variant has a deleterious effect on protein structure/function; Has not been previously published as pathogenic or benign to our knowledge; This variant is associated with the following publications: (PMID: 11331587)

NM_000264.5(PTCH1):c.2177C>A (p.Pro726His)

Genes: PTCH1 (patched 1; minus strand), LOC100507346 (uncharacterized LOC100507346; plus strand). Cytogenetic location: 9q22.32.
Variant type: single nucleotide variant.
Coding change: c.2177C>A on transcript NM_000264.5 (MANE Select); coding-DNA position 2177, C replaced by A.
Protein change: p.Pro726His; replaces proline 726 with histidine.
Molecular consequence: missense variant. On other transcripts: non-coding transcript variant (2).
Genome position (GRCh38, 1-based): chr9:95,468,824, G>T on the plus strand (C>A on the coding strand, the complement: PTCH1 is on the minus strand). VCF-style: chr9-95468824-G-T. GRCh37 (hg19) VCF-style: chr9-98231106-G-T.
Other names: c.1979C>A, p.Pro660His (NM_001083602.3); c.2174C>A, p.Pro725His (NM_001083603.3); c.1724C>A, p.Pro575His (NM_001083604.3, NM_001083605.3, NM_001083606.3 and 1 more transcripts); c.2021C>A, p.Pro674His (NM_001354918.2); short protein forms P674H, P725H, P726H, P575H, P660H.
Identifiers: ClinVar variation 641821 (VCV000641821.12), dbSNP rs587780697, ClinGen allele CA5138439.